The following is an entry in ClinVar:

NM_006206.6(PDGFRA):c.490A>G (p.Ser164Gly)

Gene: PDGFRA (platelet derived growth factor receptor alpha; plus strand). Cytogenetic location: 4q12.
Variant type: single nucleotide variant.
Coding change: c.490A>G on transcript NM_006206.6 (MANE Select); coding-DNA position 490, A replaced by G.
Protein change: p.Ser164Gly; replaces serine 164 with glycine.
Molecular consequence: missense variant.
Genome position (GRCh38, 1-based): chr4:54,263,789, A>G. VCF-style: chr4-54263789-A-G. GRCh37 (hg19) VCF-style: chr4-55129956-A-G.
Other names: c.490A>G, p.Ser164Gly (NM_001347827.2, NM_001347829.2); c.565A>G, p.Ser189Gly (NM_001347828.2); c.529A>G, p.Ser177Gly (NM_001347830.2); short protein forms S164G, S177G, S189G.
Identifiers: ClinVar variation 825280 (VCV000825280.13), dbSNP rs768090499, ClinGen allele CA96849118.
Genomic context (GRCh38, chr4:54,263,789, plus strand): 5'-GATTCTGCCATTATACCTTGTCGCACAACTGATCCCGAGACTCCTGTAACCTTACACAAC[A>G]GTGAGGGGGTGGTACCTGCCTCCTACGACAGCAGACAGGGCTTTAATGGGACCTTCACTG-3'
Protein context (NP_006197.1, residues 154-174): DPETPVTLHN[Ser164Gly]EGVVPASYDS

ClinVar aggregate classification (germline): Uncertain significance. Review status: criteria provided, multiple submitters, no conflicts (2 of 4 stars). 2 submissions from 2 submitters: Uncertain significance (2). Last evaluated 2026-02-12.

Conditions:
Hereditary cancer-predisposing syndrome. Also called: Neoplastic Syndromes, Hereditary; Tumor predisposition; Hereditary Cancer Syndrome; Hereditary neoplastic syndrome. Identifiers: Orphanet 140162, MedGen C0027672, MeSH D009386, MONDO:0015356.
Gastrointestinal stromal tumor. Also called: Gastrointestinal stromal tumor, somatic; Gastrointestinal stroma tumor. Identifiers: Orphanet 44890, MedGen C0238198, MeSH D046152, MONDO:0011719, OMIM 606764, HP:0100723.

Allele frequency attached by ClinVar (database versions not stated): gnomAD exomes 0.00001.
gnomAD v4.1: 12 of 1,614,120 alleles (0.00074%); highest among the groups gnomAD compares: Non-Finnish European, 0.001%; no homozygotes.

Submissions (2):

Ambry Genetics
Classification: Uncertain significance for Hereditary cancer-predisposing syndrome. Last evaluated: 2026-02-12. Review status: criteria provided, single submitter. Criteria: Ambry Variant Classification Scheme 2023. Collection method: clinical testing. Allele origin: germline.
Comment: The p.S164G variant (also known as c.490A>G), located in coding exon 3 of the PDGFRA gene, results from an A to G substitution at nucleotide position 490. The serine at codon 164 is replaced by glycine, an amino acid with similar properties. This amino acid position is not well conserved in available vertebrate species. In addition, this alteration is predicted to be tolerated by in silico analysis. Based on the available evidence, the clinical significance of this variant remains unclear.

Labcorp Genetics (formerly Invitae), Labcorp
Classification: Uncertain significance for Gastrointestinal stromal tumor. Last evaluated: 2025-10-02. Review status: criteria provided, single submitter. Criteria: Invitae Variant Classification Sherloc (09022015). Collection method: clinical testing. Allele origin: germline.
Comment: This sequence change replaces serine, which is neutral and polar, with glycine, which is neutral and non-polar, at codon 164 of the PDGFRA protein (p.Ser164Gly). This variant is not present in population databases (gnomAD no frequency). This variant has not been reported in the literature in individuals affected with PDGFRA-related conditions. ClinVar contains an entry for this variant (Variation ID: 825280). An algorithm developed to predict the effect of missense changes on protein structure and function outputs the following: PolyPhen-2: "Benign". The glycine amino acid residue is found in multiple mammalian species, which suggests that this missense change does not adversely affect protein function. Algorithms developed to predict the effect of sequence changes on RNA splicing suggest that this variant may create or strengthen a splice site. In summary, the available evidence is currently insufficient to determine the role of this variant in disease. Therefore, it has been classified as a Variant of Uncertain Significance.